The following is an entry in ClinVar:

ClinVar aggregate classification (germline): Uncertain significance (1 of 4 stars; one submission).

Conditions:
Intellectual disability-facial dysmorphism syndrome due to SETD5 haploinsufficiency (MRD23). Also called: Intellectual developmental disorder, autosomal dominant 23. Identifiers: Orphanet 404440, MedGen C3810406, MONDO:0014336, OMIM 615761.

Submission:

Baylor Genetics
Classification: Uncertain significance for Intellectual disability-facial dysmorphism syndrome due to SETD5 haploinsufficiency. Last evaluated: 2018-04-27. Review status: criteria provided, single submitter. Criteria: ACMG Guidelines, 2015. Collection method: clinical testing. Allele origin: paternal. Affected: yes.
Comment: This variant was determined to be of uncertain significance according to ACMG Guidelines, 2015 [PMID:25741868].

NM_001080517.3(SETD5):c.3409A>C (p.Met1137Leu)

Gene: SETD5 (SET domain containing 5; plus strand). Cytogenetic location: 3p25.3.
Variant type: single nucleotide variant.
Coding change: c.3409A>C on transcript NM_001080517.3 (MANE Select); coding-DNA position 3409, A replaced by C.
Protein change: p.Met1137Leu; replaces methionine 1137 with leucine.
Molecular consequence: missense variant.
Genome position (GRCh38, 1-based): chr3:9,473,449, A>C. VCF-style: chr3-9473449-A-C. GRCh37 (hg19) VCF-style: chr3-9515133-A-C.
Other names: c.3115A>C, p.Met1039Leu (NM_001292043.2, NM_001349451.2); short protein forms M1039L, M1137L.
Identifiers: ClinVar variation 1032606 (VCV001032606.1), dbSNP rs13327456, ClinGen allele CA351686258.
Genomic context (GRCh38, chr3:9,473,449, plus strand): 5'-GGATCCTCAGCCCGAACTCCATCTTCCCCTCACAAAAAATTCTCCCCATCTCATTCCTCT[A>C]TGTCCCATTTGGAGGCGGTAAGCCCATCAGATTCCAGAGGCACTTCTTCATCTCACTGCA-3'
Protein context (NP_001073986.1, residues 1127-1147): HKKFSPSHSS[Met1137Leu]SHLEAVSPSD